The following is an entry in ClinVar:

ClinVar aggregate classification (germline): Conflicting classifications of pathogenicity. Review status: criteria provided, conflicting classifications (1 of 4 stars). 7 submissions from 7 submitters: Uncertain significance (4); Likely benign (1). 2 of the submissions do not count toward it. Last evaluated 2025-10-06.

Conditions:
MYO7A-related disorder. Also called: MYO7A-related disorders.
Inborn genetic diseases. Identifiers: MedGen C0950123, MeSH D030342.
Usher syndrome type 1B (USH1B). Also called: Usher syndrome type IB. Identifiers: MedGen C1848638, MONDO:0700087.

Allele frequency attached by ClinVar (database versions not stated): TOPMed 0.00009.
gnomAD v4.1: 201 of 1,605,048 alleles (0.013%); highest among the groups gnomAD compares: Non-Finnish European, 0.016%; no homozygotes.

Submissions (7):

Labcorp Genetics (formerly Invitae), Labcorp
Classification: Likely benign. Last evaluated: 2025-10-06. Review status: criteria provided, single submitter. Criteria: Invitae Variant Classification Sherloc (09022015). Collection method: clinical testing. Allele origin: germline.

Ambry Genetics
Classification: Uncertain significance for Inborn genetic diseases. Last evaluated: 2025-08-11. Review status: criteria provided, single submitter. Criteria: Ambry Variant Classification Scheme 2023. Collection method: clinical testing. Allele origin: germline.

GeneDx
Classification: Uncertain significance. Last evaluated: 2020-12-28. Review status: criteria provided, single submitter. Criteria: GeneDx Variant Classification Process June 2021. Collection method: clinical testing. Allele origin: germline. Affected: yes.
Comment: In silico analysis supports that this missense variant has a deleterious effect on protein structure/function; Has not been previously published as pathogenic or benign to our knowledge

Athena Diagnostics
Classification: Uncertain significance. Last evaluated: 2018-11-05. Review status: criteria provided, single submitter. Criteria: Athena Diagnostics Criteria. Collection method: clinical testing. Allele origin: germline.

Laboratory for Molecular Medicine, Mass General Brigham Personalized Medicine
Classification: Uncertain significance. Last evaluated: 2016-06-09. Review status: criteria provided, single submitter. Criteria: LMM Criteria. Collection method: clinical testing. Allele origin: germline. Observed: 1 variant allele.
Comment: The p.Arg920Leu variant in MYO7A has not been previously reported in individuals with hearing loss. This variant has been identified in 9/29234 European chromos omes by the Exome Aggregation Consortium (ExAC; dbSNP rs565162134). Computational prediction tools and conservation analyses sug gest that this variant may not impact the protein, though this information is no t predictive enough to rule out pathogenicity. In summary, the clinical signific ance of the p.Arg920Leu variant is uncertain.

PreventionGenetics, part of Exact Sciences
Classification: Uncertain significance for MYO7A-related condition. Last evaluated: 2024-09-06. Review status: no assertion criteria provided. Collection method: clinical testing. Allele origin: germline. Not counted in ClinVar's aggregate classification.
Comment: The MYO7A c.2759G>T variant is predicted to result in the amino acid substitution p.Arg920Leu. To our knowledge, this variant has not been reported in the literature. This variant is reported in 0.016% of alleles in individuals of European (Non-Finnish) descent in gnomAD. At this time, the clinical significance of this variant is uncertain due to the absence of conclusive functional and genetic evidence.

Natera, Inc.
Classification: Uncertain significance for Usher syndrome type 1B. Last evaluated: 2019-11-11. Review status: no assertion criteria provided. Collection method: clinical testing. Allele origin: germline. Not counted in ClinVar's aggregate classification.

NM_000260.4(MYO7A):c.2759G>T (p.Arg920Leu)

Gene: MYO7A (myosin VIIA; plus strand). Cytogenetic location: 11q13.5.
Variant type: single nucleotide variant.
Coding change: c.2759G>T on transcript NM_000260.4 (MANE Select); coding-DNA position 2759, G replaced by T.
Protein change: p.Arg920Leu; replaces arginine 920 with leucine.
Molecular consequence: missense variant.
Genome position (GRCh38, 1-based): chr11:77,181,444, G>T. VCF-style: chr11-77181444-G-T. GRCh37 (hg19) VCF-style: chr11-76892490-G-T.
Other names: c.2759G>T, p.Arg920Leu (NM_001127180.2); c.2726G>T, p.Arg909Leu (NM_001369365.1); short protein forms R920L, R909L.
Identifiers: ClinVar variation 505113 (VCV000505113.18), dbSNP rs565162134, ClinGen allele CA6197926.
Genomic context (GRCh38, chr11:77,181,444, plus strand): 5'-GCCTGGCCCAGCTGGCTCGTGAGGACGCTGAGCGGGAGCTGAAGGAGAAGGAGGCCGCTC[G>T]GCGGAAGAAGGAGCTCCTGGAGCAGATGGAAAGGGCCCGCCATGAGCCTGTCAATCACTC-3'
Protein context (NP_000251.3, residues 910-930): ERELKEKEAA[Arg920Leu]RKKELLEQME